The following is an entry in ClinVar:

ClinVar aggregate classification (germline): Uncertain significance. Review status: criteria provided, multiple submitters, no conflicts (2 of 4 stars). 3 submissions from 3 submitters: Uncertain significance (2). 1 of the submissions does not count toward it. Last evaluated 2022-10-17.

Conditions:
OTOG-related disorder. Also called: OTOG-related condition.

Allele frequency attached by ClinVar (database versions not stated): gnomAD exomes 0.00023 and 0.00027; TOPMed 0.00029; gnomAD 0.00034 and 0.00036; ExAC 0.00047.
gnomAD v4.1: 405 of 1,460,088 alleles (0.028%); highest among the groups gnomAD compares: Non-Finnish European, 0.033%; no homozygotes.

Submissions (3):

Labcorp Genetics (formerly Invitae), Labcorp
Classification: Uncertain significance. Last evaluated: 2022-10-17. Review status: criteria provided, single submitter. Criteria: Invitae Variant Classification Sherloc (09022015). Collection method: clinical testing. Allele origin: germline.
Comment: This sequence change replaces valine, which is neutral and non-polar, with methionine, which is neutral and non-polar, at codon 2822 of the OTOG protein (p.Val2822Met). This variant is present in population databases (rs560697197, gnomAD 0.05%). This variant has not been reported in the literature in individuals affected with OTOG-related conditions. ClinVar contains an entry for this variant (Variation ID: 1201407). Algorithms developed to predict the effect of missense changes on protein structure and function are either unavailable or do not agree on the potential impact of this missense change (SIFT: "Tolerated"; PolyPhen-2: "Possibly Damaging"; Align-GVGD: "Class C0"). In summary, the available evidence is currently insufficient to determine the role of this variant in disease. Therefore, it has been classified as a Variant of Uncertain Significance.

GeneDx
Classification: Uncertain significance. Last evaluated: 2021-10-19. Review status: criteria provided, single submitter. Criteria: GeneDx Variant Classification Process June 2021. Collection method: clinical testing. Allele origin: germline. Affected: yes.
Comment: In silico analysis supports that this missense variant does not alter protein structure/function; Has not been previously published as pathogenic or benign to our knowledge

PreventionGenetics, part of Exact Sciences
Classification: Uncertain significance for OTOG-related condition. Last evaluated: 2024-07-18. Review status: no assertion criteria provided. Collection method: clinical testing. Allele origin: germline. Not counted in ClinVar's aggregate classification.
Comment: The OTOG c.8464G>A variant is predicted to result in the amino acid substitution p.Val2822Met. To our knowledge, this variant has not been reported in the literature. This variant is reported in 0.054% of alleles in individuals of European (Non-Finnish) descent in gnomAD. Although we suspect that this variant may be benign, at this time, the clinical significance of this variant is uncertain due to the absence of conclusive functional and genetic evidence.

NM_001292063.2(OTOG):c.8428G>A (p.Val2810Met)

Gene: OTOG (otogelin; plus strand). Cytogenetic location: 11p15.1.
Variant type: single nucleotide variant.
Coding change: c.8428G>A on transcript NM_001292063.2 (MANE Select); coding-DNA position 8428, G replaced by A.
Protein change: p.Val2810Met; replaces valine 2810 with methionine.
Molecular consequence: missense variant.
Genome position (GRCh38, 1-based): chr11:17,643,473, G>A. VCF-style: chr11-17643473-G-A. GRCh37 (hg19) VCF-style: chr11-17665020-G-A.
Other names: c.8464G>A, p.Val2822Met (NM_001277269.2); short protein forms V2810M, V2822M.
Identifiers: ClinVar variation 1201407 (VCV001201407.9), dbSNP rs560697197, ClinGen allele CA5906290.